The following is an entry in ClinVar:

ClinVar aggregate classification (germline): Uncertain significance (1 of 4 stars; one submission).

gnomAD v4.1: 2 of 1,613,964 alleles (0.00012%); highest among the groups gnomAD compares: Non-Finnish European, 0.00017%; no homozygotes.

Submission:

Labcorp Genetics (formerly Invitae), Labcorp
Classification: Uncertain significance. Last evaluated: 2025-02-13. Review status: criteria provided, single submitter. Criteria: Invitae Variant Classification Sherloc (09022015). Collection method: clinical testing. Allele origin: germline.
Comment: This sequence change replaces methionine, which is neutral and non-polar, with isoleucine, which is neutral and non-polar, at codon 4515 of the HMCN1 protein (p.Met4515Ile). This variant is not present in population databases (gnomAD no frequency). This variant has not been reported in the literature in individuals affected with HMCN1-related conditions. An algorithm developed to predict the effect of missense changes on protein structure and function (PolyPhen-2) suggests that this variant is likely to be disruptive. In summary, the available evidence is currently insufficient to determine the role of this variant in disease. Therefore, it has been classified as a Variant of Uncertain Significance.

NM_031935.3(HMCN1):c.13545G>A (p.Met4515Ile)

Gene: HMCN1 (hemicentin 1; plus strand). Cytogenetic location: 1q31.1.
Variant type: single nucleotide variant.
Coding change: c.13545G>A on transcript NM_031935.3 (MANE Select); coding-DNA position 13545, G replaced by A.
Protein change: p.Met4515Ile; replaces methionine 4515 with isoleucine.
Molecular consequence: missense variant.
Genome position (GRCh38, 1-based): chr1:186,136,900, G>A. VCF-style: chr1-186136900-G-A. GRCh37 (hg19) VCF-style: chr1-186106032-G-A.
Other names: short protein forms M4515I.
Identifiers: ClinVar variation 4711303 (VCV004711303.1).